The following is an entry in ClinVar:

NM_001174089.2(SLC4A11):c.1765C>T (p.Arg589Ter)

Gene: SLC4A11 (solute carrier family 4 member 11; minus strand). Cytogenetic location: 20p13.
Variant type: single nucleotide variant.
Coding change: c.1765C>T on transcript NM_001174089.2 (MANE Select); coding-DNA position 1765, C replaced by T.
Protein change: p.Arg589Ter; replaces arginine 589 with a stop codon.
Molecular consequence: nonsense. On other transcripts: non-coding transcript variant (1).
Genome position (GRCh38, 1-based): chr20:3,229,430, G>A on the plus strand (C>T on the coding strand, the complement: SLC4A11 is on the minus strand). VCF-style: chr20-3229430-G-A. GRCh37 (hg19) VCF-style: chr20-3210076-G-A.
Other names: c.1894C>T, p.Arg632Ter (NM_001174090.2); c.1651C>T, p.Arg551Ter (NM_001363745.2); c.1813C>T, p.Arg605Ter (NM_032034.4); short protein forms R605*, R589*, R551*, R632*.
Identifiers: ClinVar variation 1307 (VCV000001307.12), dbSNP rs121909390, ClinGen allele CA250439.
Genomic context (GRCh38, chr20:3,229,430, plus strand): 5'-AGCTGATGAGGGAGAAGGCGAGCACCGCGATGGGCAGGGCGCAGTCGGACAGGATCTCTC[G>A]CACGCAGGGGTGCAGGTAGGGGCTGGGGACAGCAGGTGCATGAGCACAGCCTTTGACCCA-3'

ClinVar aggregate classification (germline): Pathogenic. Review status: criteria provided, multiple submitters, no conflicts (2 of 4 stars). 5 submissions from 5 submitters: Pathogenic (3). 2 of the submissions do not count toward it. Last evaluated 2025-12-08.

Conditions:
SLC4A11-related disorder. Also called: SLC4A11-related condition.
Corneal dystrophy, Fuchs endothelial, 4 (FECD4). Identifiers: Orphanet 98974, MedGen C2750450, MONDO:0013204, OMIM 613268.
Corneal dystrophy-perceptive deafness syndrome (CDPD). Also called: CORNEAL DYSTROPHY AND SENSORINEURAL DEAFNESS; HARBOYAN SYNDROME. Identifiers: Orphanet 1490, MedGen C1857572, MONDO:0009015, OMIM 217400.
Congenital hereditary endothelial dystrophy of cornea. Also called: Congenital hereditary endothelial dystrophy type II; Corneal endothelial dystrophy, autosomal recessive; CORNEAL DYSTROPHY, CONGENITAL HEREDITARY ENDOTHELIAL; Congenital hereditary endothelial dystrophy of the cornea; Maumenee corneal dystrophy. Identifiers: Orphanet 293603, MedGen C1857569, MONDO:0009019, OMIM 217700.

Allele frequency attached by ClinVar (database versions not stated): gnomAD 0.00001; gnomAD exomes 0.00001; TOPMed 0.00002.

Submissions (5):

Labcorp Genetics (formerly Invitae), Labcorp
Classification: Pathogenic. Last evaluated: 2025-12-08. Review status: criteria provided, single submitter. Criteria: Invitae Variant Classification Sherloc (09022015). Collection method: clinical testing. Allele origin: germline.
Comment: This sequence change creates a premature translational stop signal (p.Arg605*) in the SLC4A11 gene. It is expected to result in an absent or disrupted protein product. Loss-of-function variants in SLC4A11 are known to be pathogenic (PMID: 17220209, 17679935). This variant is present in population databases (rs121909390, gnomAD 0.01%). This premature translational stop signal has been observed in individuals with SLC4A11-related conditions (PMID: 16767101, 16825429, 17679935). It has also been observed to segregate with disease in related individuals. ClinVar contains an entry for this variant (Variation ID: 1307). For these reasons, this variant has been classified as Pathogenic.

Fulgent Genetics
Classification: Pathogenic for Corneal dystrophy-perceptive deafness syndrome; Congenital hereditary endothelial dystrophy of cornea; Corneal dystrophy, Fuchs endothelial, 4. Last evaluated: 2024-03-26. Review status: criteria provided, single submitter. Criteria: ACMG Guidelines, 2015. Collection method: clinical testing. Allele origin: germline.

Blueprint Genetics
Classification: Pathogenic for SLC4A11-related disorders. Last evaluated: 2023-09-26. Review status: criteria provided, single submitter. Criteria: ACMG Guidelines, 2015. Collection method: clinical testing. Allele origin: germline. Affected: yes. Observed: 4 variant alleles.

Natera, Inc.
Classification: Pathogenic for Harboyan syndrome. Last evaluated: 2020-09-16. Review status: no assertion criteria provided. Collection method: clinical testing. Allele origin: germline. Not counted in ClinVar's aggregate classification.

OMIM
Classification: Pathogenic for CORNEAL ENDOTHELIAL DYSTROPHY. Last evaluated: 2008-03-01. Review status: no assertion criteria provided. Collection method: literature only. Allele origin: germline. Not counted in ClinVar's aggregate classification.

Literature cited by the submitters: PubMed 17220209 (cited by Labcorp Genetics (formerly Invitae), Labcorp); PubMed 17679935 (cited by Labcorp Genetics (formerly Invitae), Labcorp); PubMed 16767101 (cited by Labcorp Genetics (formerly Invitae), Labcorp); PubMed 16825429 (cited by Labcorp Genetics (formerly Invitae), Labcorp and OMIM); PubMed 18024964 (cited by OMIM).